The following is an entry in ClinVar:

ClinVar aggregate classification (germline): Uncertain significance (1 of 4 stars; one submission).

Conditions:
Epidermodysplasia verruciformis. Identifiers: Orphanet 302, MedGen C0014522, MONDO:0009176.

Submission:

Labcorp Genetics (formerly Invitae), Labcorp
Classification: Uncertain significance for Epidermodysplasia verruciformis. Last evaluated: 2022-07-19. Review status: criteria provided, single submitter. Criteria: Invitae Variant Classification Sherloc (09022015). Collection method: clinical testing. Allele origin: germline.
Comment: In summary, the available evidence is currently insufficient to determine the role of this variant in disease. Therefore, it has been classified as a Variant of Uncertain Significance. Algorithms developed to predict the effect of sequence changes on RNA splicing suggest that this variant may disrupt the consensus splice site. ClinVar contains an entry for this variant (Variation ID: 933757). This variant has not been reported in the literature in individuals affected with TMC6-related conditions. This variant is not present in population databases (gnomAD no frequency). This sequence change falls in intron 5 of the TMC6 gene. It does not directly change the encoded amino acid sequence of the TMC6 protein.

NM_001127198.5(TMC6):c.431-10_431-5del

Gene: TMC6 (transmembrane channel like 6; minus strand). Cytogenetic location: 17q25.3.
Variant type: Microsatellite.
Coding change: c.431-10_431-5del on transcript NM_001127198.5 (MANE Select); 10 bases into the intron before coding-DNA position 431 through 5 bases into the intron before coding-DNA position 431, 6 bases deleted (CCTCTC; older notation c.431-10_431-5delCCTCTC).
Molecular consequence: intron variant.
Genome position (GRCh38, 1-based): chr17:78,125,268-78,125,273, GAGAGG deleted on the plus strand (CCTCTC on the coding strand, the reverse complement: TMC6 is on the minus strand); deleting any 6 consecutive bases within chr17:78,125,268-78,125,282 gives the same sequence; the c. name uses the placement nearest the transcript's 3' end. VCF-style (leftmost placement, unchanged base first): chr17-78125267-CGAGAGG-C. GRCh37 (hg19) VCF-style: chr17-76121348-CGAGAGG-C.
Other names: c.431-10_431-5del (NM_001374594.1, NM_001374596.1, NM_001374593.1 and 4 more transcripts).
Identifiers: ClinVar variation 933757 (VCV000933757.10), dbSNP rs2074647678, ClinGen allele CA1139665900.